The following is an entry in ClinVar:

NM_000088.4(COL1A1):c.457C>G (p.Pro153Ala)

Gene: COL1A1 (collagen type I alpha 1 chain; minus strand). Cytogenetic location: 17q21.33.
Variant type: single nucleotide variant.
Coding change: c.457C>G on transcript NM_000088.4 (MANE Select); coding-DNA position 457, C replaced by G.
Protein change: p.Pro153Ala; replaces proline 153 with alanine.
Molecular consequence: missense variant.
Genome position (GRCh38, 1-based): chr17:50,199,240, G>C on the plus strand (C>G on the coding strand, the complement: COL1A1 is on the minus strand). VCF-style: chr17-50199240-G-C. GRCh37 (hg19) VCF-style: chr17-48276601-G-C.
Other names: short protein forms P153A.
Identifiers: ClinVar variation 3727192 (VCV003727192.2).

ClinVar aggregate classification (germline): Uncertain significance (1 of 4 stars; one submission).

Conditions:
Osteogenesis imperfecta type I (OI1). Also called: Lobstein's Disease; Lobstein disease; Classic Non-deforming Osteogenesis Imperfecta with Blue Sclerae; OI, TYPE I; OSTEOGENESIS IMPERFECTA TARDA; OSTEOGENESIS IMPERFECTA WITH BLUE SCLERAE. Identifiers: Orphanet 216796, Orphanet 666, MedGen C0023931, MONDO:0008146, OMIM 166200. Disease mechanism: loss of function.

gnomAD v4.1: 1 of 1,467,176 alleles (0.000068%); highest among the groups gnomAD compares: Non-Finnish European, 0.00009%; no homozygotes.

Submission:

Labcorp Genetics (formerly Invitae), Labcorp
Classification: Uncertain significance for Osteogenesis imperfecta type I. Last evaluated: 2024-12-10. Review status: criteria provided, single submitter. Criteria: Invitae Variant Classification Sherloc (09022015). Collection method: clinical testing. Allele origin: germline.
Comment: This sequence change replaces proline, which is neutral and non-polar, with alanine, which is neutral and non-polar, at codon 153 of the COL1A1 protein (p.Pro153Ala). This variant is not present in population databases (gnomAD no frequency). This variant has not been reported in the literature in individuals affected with COL1A1-related conditions. An algorithm developed to predict the effect of missense changes on protein structure and function outputs the following: PolyPhen-2: "Not Available". The alanine amino acid residue is found in multiple mammalian species, which suggests that this missense change does not adversely affect protein function. In summary, the available evidence is currently insufficient to determine the role of this variant in disease. Therefore, it has been classified as a Variant of Uncertain Significance.